The following is an entry in ClinVar:

NM_000400.4(ERCC2):c.1656G>C (p.Trp552Cys)

Gene: ERCC2 (ERCC excision repair 2, TFIIH core complex helicase subunit; minus strand). Cytogenetic location: 19q13.32.
Variant type: single nucleotide variant.
Coding change: c.1656G>C on transcript NM_000400.4 (MANE Select); coding-DNA position 1656, G replaced by C.
Protein change: p.Trp552Cys; replaces tryptophan 552 with cysteine.
Molecular consequence: missense variant.
Genome position (GRCh38, 1-based): chr19:45,354,739, C>G on the plus strand (G>C on the coding strand, the complement: ERCC2 is on the minus strand). VCF-style: chr19-45354739-C-G. GRCh37 (hg19) VCF-style: chr19-45857997-C-G.
Other names: short protein forms W552C.
Identifiers: ClinVar variation 2479930 (VCV002479930.2), dbSNP rs2514006103, ClinGen allele CA406365164.

ClinVar aggregate classification (germline): Uncertain significance (1 of 4 stars; one submission).

Conditions:
Inborn genetic diseases. Identifiers: MedGen C0950123, MeSH D030342.

Allele frequency attached by ClinVar (database versions not stated): gnomAD exomes below 0.00001.
gnomAD v4.1: 2 of 1,613,976 alleles (0.00012%); highest among the groups gnomAD compares: Non-Finnish European, 0.00017%; no homozygotes.

Submission:

Ambry Genetics
Classification: Uncertain significance for Inborn genetic diseases. Last evaluated: 2022-11-17. Review status: criteria provided, single submitter. Criteria: Ambry Variant Classification Scheme 2023. Collection method: clinical testing. Allele origin: germline.
Comment: The p.W552C variant (also known as c.1656G>C), located in coding exon 17 of the ERCC2 gene, results from a G to C substitution at nucleotide position 1656. The tryptophan at codon 552 is replaced by cysteine, an amino acid with highly dissimilar properties. This amino acid position is conserved. In addition, this alteration is predicted to be deleterious by in silico analysis. Since supporting evidence is limited at this time, the clinical significance of this alteration remains unclear.